The following is an entry in ClinVar:

NM_017780.4(CHD7):c.8182G>A (p.Ala2728Thr)

Gene: CHD7 (chromodomain helicase DNA binding protein 7; plus strand). Cytogenetic location: 8q12.2.
Variant type: single nucleotide variant.
Coding change: c.8182G>A on transcript NM_017780.4 (MANE Select); coding-DNA position 8182, G replaced by A.
Protein change: p.Ala2728Thr; replaces alanine 2728 with threonine.
Molecular consequence: missense variant.
Genome position (GRCh38, 1-based): chr8:60,865,121, G>A. VCF-style: chr8-60865121-G-A. GRCh37 (hg19) VCF-style: chr8-61777680-G-A.
Other names: c.2035G>A, p.Ala679Thr (NM_001316690.1); short protein forms A2728T, A679T.
Identifiers: ClinVar variation 1709028 (VCV001709028.2), dbSNP rs757725468, ClinGen allele CA177329172.

ClinVar aggregate classification (germline): Uncertain significance (1 of 4 stars; one submission).

Conditions:
CHARGE syndrome (CHARGE). Also called: Coloboma, heart anomaly, choanal atresia, retardation, genital and ear anomalies; CHARGE association; Hall-Hittner syndrome; Hittner Hirsch Kreh syndrome; CHARGE ASSOCIATION--COLOBOMA, HEART ANOMALY, CHOANAL ATRESIA, RETARDATION, GENITAL AND EAR ANOMALIES. Identifiers: Orphanet 138, MedGen C0265354, MONDO:0008965.

Allele frequency attached by ClinVar (database versions not stated): gnomAD exomes 0.00001.
gnomAD v4.1: 14 of 1,610,844 alleles (0.00087%); highest among the groups gnomAD compares: Non-Finnish European, 0.0012%; no homozygotes.

Submission:

MGZ Medical Genetics Center
Classification: Uncertain significance for CHD7-related CHARGE syndrome. Last evaluated: 2021-10-06. Review status: criteria provided, single submitter. Criteria: ACMG Guidelines, 2015. Collection method: clinical testing. Allele origin: germline. Affected: yes. Observed: 1 variant allele.
Comment: ACMG criteria applied: PM2_SUP, PP3